The following is an entry in ClinVar:

NM_001243133.2(NLRP3):c.2961C>T (p.Phe987=)

Gene: NLRP3 (NLR family pyrin domain containing 3; plus strand). Cytogenetic location: 1q44.
Variant type: single nucleotide variant.
Coding change: c.2961C>T on transcript NM_001243133.2 (MANE Select); coding-DNA position 2961, C replaced by T.
Protein change: p.Phe987=; no amino-acid change (phenylalanine 987 retained).
Molecular consequence: synonymous variant.
Genome position (GRCh38, 1-based): chr1:247,444,777, C>T. VCF-style: chr1-247444777-C-T. GRCh37 (hg19) VCF-style: chr1-247608079-C-T.
Other names: c.2961C>T, p.Phe987= (NM_001079821.3); c.2790C>T, p.Phe930= (NM_001127461.3, NM_001127462.3); c.2967C>T, p.Phe989= (NM_004895.5); c.2619C>T, p.Phe873= (NM_183395.3).
Identifiers: ClinVar variation 4874220 (VCV004874220.2).

ClinVar aggregate classification (germline): Likely benign (1 of 4 stars; one submission).

Submission:

CeGaT Center for Human Genetics Tuebingen
Classification: Likely benign. Last evaluated: 2026-06-01. Review status: criteria provided, single submitter. Criteria: CeGaT Center For Human Genetics Tuebingen Variant Classification Criteria Version 2. Collection method: clinical testing. Allele origin: germline. Affected: yes. Observed: 1 variant allele.
Comment: NLRP3: PM2:Supporting, BP4, BP7